The following is an entry in ClinVar:

ClinVar aggregate classification (germline): Uncertain significance (1 of 4 stars; one submission).

Submission:

Ambry Genetics
Classification: Uncertain significance. Last evaluated: 2026-09-01. Review status: criteria provided, single submitter. Criteria: Ambry Variant Classification Scheme 2023. Collection method: clinical testing. Allele origin: germline.
Comment: The p.W194R variant (also known as c.580T>A), located in coding exon 4 of the RNF43 gene, results from a T to A substitution at nucleotide position 580. The tryptophan at codon 194 is replaced by arginine, an amino acid with dissimilar properties. This amino acid position is conserved. In addition, this alteration is predicted to be tolerated by in silico analysis. Based on the available evidence, the clinical significance of this variant remains unclear.

NM_017763.6(RNF43):c.580T>A (p.Trp194Arg)

Gene: RNF43 (ring finger protein 43; minus strand). Cytogenetic location: 17q22.
Variant type: single nucleotide variant.
Coding change: c.580T>A on transcript NM_017763.6 (MANE Select); coding-DNA position 580, T replaced by A.
Protein change: p.Trp194Arg; replaces tryptophan 194 with arginine.
Molecular consequence: missense variant.
Genome position (GRCh38, 1-based): chr17:58,363,277, A>T on the plus strand (T>A on the coding strand, the complement: RNF43 is on the minus strand). VCF-style: chr17-58363277-A-T. GRCh37 (hg19) VCF-style: chr17-56440638-A-T.
Other names: c.580T>A, p.Trp194Arg (NM_001305544.3, NM_001438820.1, NM_001438821.1 and 1 more transcripts); c.199T>A, p.Trp67Arg (NM_001305545.2, NM_001437987.1); short protein forms W67R, W194R.
Identifiers: ClinVar variation 5028365 (VCV005028365.1).